The following is an entry in ClinVar:

ClinVar aggregate classification (germline): Uncertain significance (1 of 4 stars; one submission).

Conditions:
Epilepsy, childhood absence, susceptibility to, 1. Also called: Epilepsy, childhood absence 1. Identifiers: Orphanet 64280, MedGen C1838604, MONDO:0020759, OMIM 600131.
Epilepsy, childhood absence, susceptibility to, 5. Identifiers: Orphanet 64280, MedGen C2677087, MONDO:0012843, OMIM 612269.

Allele frequency attached by ClinVar (database versions not stated): gnomAD exomes below 0.00001.
gnomAD v4.1: 2 of 1,613,972 alleles (0.00012%); highest among the groups gnomAD compares: Admixed American, 0.0033%; no homozygotes.

Submission:

Labcorp Genetics (formerly Invitae), Labcorp
Classification: Uncertain significance for Epilepsy, childhood absence, susceptibility to, 5; Epilepsy, childhood absence, susceptibility to, 1. Last evaluated: 2025-10-22. Review status: criteria provided, single submitter. Criteria: Invitae Variant Classification Sherloc (09022015). Collection method: clinical testing. Allele origin: germline.
Comment: This sequence change replaces glutamic acid, which is acidic and polar, with alanine, which is neutral and non-polar, at codon 357 of the GABRB3 protein (p.Glu357Ala). This variant is present in population databases (no rsID available, gnomAD 0.006%). This variant has not been reported in the literature in individuals affected with GABRB3-related conditions. ClinVar contains an entry for this variant (Variation ID: 2197483). Invitae Evidence Modeling of protein sequence and biophysical properties (such as structural, functional, and spatial information, amino acid conservation, physicochemical variation, residue mobility, and thermodynamic stability) indicates that this missense variant is not expected to disrupt GABRB3 protein function with a negative predictive value of 95%. In summary, the available evidence is currently insufficient to determine the role of this variant in disease. Therefore, it has been classified as a Variant of Uncertain Significance.

NM_000814.6(GABRB3):c.1070A>C (p.Glu357Ala)

Gene: GABRB3 (gamma-aminobutyric acid type A receptor subunit beta3; minus strand). Cytogenetic location: 15q12.
Variant type: single nucleotide variant.
Coding change: c.1070A>C on transcript NM_000814.6 (MANE Select); coding-DNA position 1070, A replaced by C.
Protein change: p.Glu357Ala; replaces glutamic acid 357 with alanine.
Molecular consequence: missense variant.
Genome position (GRCh38, 1-based): chr15:26,560,942, T>G on the plus strand (A>C on the coding strand, the complement: GABRB3 is on the minus strand). VCF-style: chr15-26560942-T-G. GRCh37 (hg19) VCF-style: chr15-26806089-T-G.
Other names: c.815A>C, p.Glu272Ala (NM_001191320.2, NM_001278631.2); c.857A>C, p.Glu286Ala (NM_001191321.3); c.1070A>C, p.Glu357Ala (NM_021912.5); short protein forms E286A, E272A, E357A.
Identifiers: ClinVar variation 2197483 (VCV002197483.4), dbSNP rs1353127492, ClinGen allele CA391460997.
Genomic context (GRCh38, chr15:26,560,942, plus strand): 5'-AGCTGCTGAGCTGCAGGGACCAGGTGGGGTCAAGGTGGTGGAGAGCCTACCCGGTTGCTT[T>G]CGCTCTTTGAACGGTCATTCTTTGCCTTGGCTGTCTTTTCTGCAAGCTTCTTCTGCCTTT-3'
Protein context (NP_000805.1, residues 347-367): AKAKNDRSKS[Glu357Ala]SNRVDAHGNI